The following is an entry in ClinVar:

ClinVar aggregate classification (germline): Uncertain significance (1 of 4 stars; one submission).

Conditions:
Cholestanol storage disease (CTX). Also called: Cerebrotendinous Xanthomatosis; CTX: Cerebrotendinous xanthomatosis; CEREBRAL CHOLESTERINOSIS. Identifiers: Orphanet 909, MedGen C0238052, MONDO:0008948, OMIM 213700.

Submission:

Labcorp Genetics (formerly Invitae), Labcorp
Classification: Uncertain significance for Cholestanol storage disease. Last evaluated: 2022-03-19. Review status: criteria provided, single submitter. Criteria: Invitae Variant Classification Sherloc (09022015). Collection method: clinical testing. Allele origin: germline.
Comment: Advanced modeling of protein sequence and biophysical properties (such as structural, functional, and spatial information, amino acid conservation, physicochemical variation, residue mobility, and thermodynamic stability) performed at Invitae indicates that this missense variant is not expected to disrupt CYP27A1 protein function. In summary, the available evidence is currently insufficient to determine the role of this variant in disease. Therefore, it has been classified as a Variant of Uncertain Significance. This variant has not been reported in the literature in individuals affected with CYP27A1-related conditions. This variant is not present in population databases (gnomAD no frequency). This sequence change replaces glycine, which is neutral and non-polar, with alanine, which is neutral and non-polar, at codon 19 of the CYP27A1 protein (p.Gly19Ala).

NM_000784.4(CYP27A1):c.56G>C (p.Gly19Ala)

Gene: CYP27A1 (cytochrome P450 family 27 subfamily A member 1; plus strand). Cytogenetic location: 2q35.
Variant type: single nucleotide variant.
Coding change: c.56G>C on transcript NM_000784.4 (MANE Select); coding-DNA position 56, G replaced by C.
Protein change: p.Gly19Ala; replaces glycine 19 with alanine.
Molecular consequence: missense variant.
Genome position (GRCh38, 1-based): chr2:218,782,238, G>C. VCF-style: chr2-218782238-G-C. GRCh37 (hg19) VCF-style: chr2-219646961-G-C.
Other names: short protein forms G19A.
Identifiers: ClinVar variation 1500371 (VCV001500371.8), dbSNP rs1203579586, ClinGen allele CA350575596.